The following is an entry in ClinVar:

ClinVar aggregate classification (germline): Uncertain significance (1 of 4 stars; one submission).

gnomAD v4.1: 1 of 1,608,694 alleles (0.000062%); highest among the groups gnomAD compares: Non-Finnish European, 0.000085%; no homozygotes.

Submission:

Dasa
Classification: Uncertain significance. Last evaluated: 2025-07-30. Review status: criteria provided, single submitter. Criteria: DASA Assertion Criteria. Collection method: clinical testing. Allele origin: germline.
Comment: NM_024496.4(IRF2BPL):c.74C>T (p.Ala25Val) is a missense variant that results in the substitution of alanine with valine. This variant is rare in population databases. The currently available literature and clinical evidence are not sufficient to establish a definitive association between this variant and the reported condition. Therefore, this variant is classified as a variant of uncertain significance.

NM_024496.4(IRF2BPL):c.74C>T (p.Ala25Val)

Genes: IRF2BPL (interferon regulatory factor 2 binding protein like; minus strand), LOC107984638 (uncharacterized LOC107984638; plus strand). Cytogenetic location: 14q24.3.
Variant type: single nucleotide variant.
Coding change: c.74C>T on transcript NM_024496.4 (MANE Select); coding-DNA position 74, C replaced by T.
Protein change: p.Ala25Val; replaces alanine 25 with valine.
Molecular consequence: missense variant. On other transcripts: non-coding transcript variant (3).
Genome position (GRCh38, 1-based): chr14:77,027,719, G>A on the plus strand (C>T on the coding strand, the complement: IRF2BPL is on the minus strand). VCF-style: chr14-77027719-G-A. GRCh37 (hg19) VCF-style: chr14-77494062-G-A.
Other names: short protein forms A25V.
Identifiers: ClinVar variation 4882945 (VCV004882945.2).